The following is an entry in ClinVar:

NM_004937.3(CTNS):c.971-12G>A

Gene: CTNS (cystinosin, lysosomal cystine transporter; plus strand). Cytogenetic location: 17p13.2.
Variant type: single nucleotide variant.
Coding change: c.971-12G>A on transcript NM_004937.3 (MANE Select); 12 bases into the intron before coding-DNA position 971, G replaced by A.
Molecular consequence: intron variant.
Genome position (GRCh38, 1-based): chr17:3,660,224, G>A. VCF-style: chr17-3660224-G-A. GRCh37 (hg19) VCF-style: chr17-3563518-G-A.
Other names: c.971-12G>A (NM_001031681.3, NM_001374492.1); c.530-12G>A (NM_001374493.1, NM_001374495.1, NM_001374494.1 and 1 more transcripts).
Identifiers: ClinVar variation 526030 (VCV000526030.21), dbSNP rs375952052, ClinGen allele CA8291997.
Genomic context (GRCh38, chr17:3,660,224, plus strand): 5'-CCACCCCACAAGCTCCAGCTGCCTCAGGAGCTGCCAACCTAACACCAGCTTCTGTCCCCC[G>A]GCTGCTAACAGACCAGTGGACGCTGATCTTCGGAGACCCAACCAAGTTTGGACTCGGGGT-3'

ClinVar aggregate classification (germline): Pathogenic. Review status: criteria provided, multiple submitters, no conflicts (2 of 4 stars). 8 submissions from 8 submitters: Pathogenic (7). 1 of the submissions does not count toward it. Last evaluated 2026-01-13.

Conditions:
Infantile nephropathic cystinosis. Identifiers: Orphanet 411629, MedGen C3537440, MONDO:0018467.
Inborn genetic diseases. Identifiers: MedGen C0950123, MeSH D030342.
Juvenile nephropathic cystinosis. Also called: Later-Onset (Juvenile) Cystinosis; Intermediate Cystinosis; CYSTINOSIS, LATE-ONSET JUVENILE OR ADOLESCENT NEPHROPATHIC TYPE. Identifiers: Orphanet 213, Orphanet 411634, MedGen C0268626, MONDO:0009066, OMIM 219900.
Ocular cystinosis. Also called: Non-Nephropathic (Ocular) Cystinosis; Non-Nephropathic Cystinosis. Identifiers: Orphanet 213, Orphanet 411641, MedGen C2931013, MONDO:0009064, OMIM 219750.
Cystinosis. Also called: Cystine diathesis; Cystine storage disease; Cystinoses. Identifiers: Orphanet 213, MedGen C4316899, MONDO:0016239.
Nephropathic cystinosis (CTNS). Also called: Abderhalden Lignac Kaufmann disease; Abderhalden-Kaufmann-Lignac syndrome; CYSTINOSIN, DEFECT OF; LYSOSOMAL CYSTINE TRANSPORT PROTEIN, DEFECT OF. Identifiers: Orphanet 213, Orphanet 411629, MedGen C2931187, MONDO:0100151, OMIM 219800.

Allele frequency attached by ClinVar (database versions not stated): ExAC 0.00002; TOPMed 0.00005; ESP Exome Variant Server 0.00008.

Submissions (8):

Labcorp Genetics (formerly Invitae), Labcorp
Classification: Pathogenic for Inborn genetic diseases; Ocular cystinosis; Juvenile nephropathic cystinosis. Last evaluated: 2026-01-13. Review status: criteria provided, single submitter. Criteria: Invitae Variant Classification Sherloc (09022015). Collection method: clinical testing. Allele origin: germline.
Comment: This sequence change falls in intron 11 of the CTNS gene. It does not directly change the encoded amino acid sequence of the CTNS protein. RNA analysis indicates that this variant induces altered splicing and likely disrupts the C-terminus of the protein. This variant is present in population databases (rs375952052, gnomAD 0.006%). This variant has been observed in individual(s) with cystinosis (PMID: 10556299, 22450360, 25326109). In at least one individual the data is consistent with being in trans (on the opposite chromosome) from a pathogenic variant. This variant is also known as c.1310-12G>A. ClinVar contains an entry for this variant (Variation ID: 526030). Studies have shown that this variant results in the inclusion of the last 10 bp of intron 11 and introduces a new termination codon (PMID: 12442267). However the mRNA is not expected to undergo nonsense-mediated decay. For these reasons, this variant has been classified as Pathogenic.

Natera, Inc.
Classification: Pathogenic for Cystinosis. Last evaluated: 2025-02-26. Review status: criteria provided, single submitter. Criteria: Natera Variant Classification Schema (03/2026). Collection method: clinical testing. Allele origin: germline.
Comment: The c.971-12G>A variant in CTNS is an intronic variant located outside the canonical splice sites. This variant is rare in the general population with a frequency below the threshold expected for the associated phenotype(s). This variant has been observed in one or more individuals affected with the associated recessive disease, as either homozygous or compound heterozygous with a second variant (PMID: 25326109, 10556299). Functional studies show that this variant may disrupt protein function (PMID: 25326109). Computational prediction algorithms indicate this variant is likely to affect gene or protein function. Given the available evidence, this variant is classified as Pathogenic.

Women's Health and Genetics/Laboratory Corporation of America, LabCorp
Classification: Pathogenic for Nephropathic cystinosis. Last evaluated: 2024-11-22. Review status: criteria provided, single submitter. Criteria: LabCorp Variant Classification Summary - May 2015. Collection method: clinical testing. Allele origin: germline.
Comment: Variant summary: CTNS c.971-12G>A, also reported as "1310-12G>A", alters a conserved nucleotide located at a position not widely known to affect splicing. Several computational tools predict a significant impact on normal splicing: Four predict the variant creates a 3' acceptor site. Two predict the variant abolishes a 3' acceptor site. One predicts the variant weakens a 3' acceptor site. At least one publication reports experimental evidence that this variant affects mRNA splicing due to out of frame insertion of 10 bp of intronic sequence (example, Owen_2015, Kalatzis_2002). This frameshift occurs at the beginning of the last exon which contains the missense p.Gly339Arg previously classified as pathogenic by our laboratory. Therefore disruption of the last exon by c.971-12G>A is expected to be deleterious. The variant allele was found at a frequency of 2e-05 in 249992 control chromosomes. c.971-12G>A has been reported in the literature in the homozygous or compound heterozygous state in multiple individuals affected with Nephropathic cystinosis and has been suggested as a South African founder variant (example, Owen_2015). These data indicate that the variant is very likely to be associated with disease. The following publications have been ascertained in the context of this evaluation (PMID: 12442267, 25326109). ClinVar contains an entry for this variant (Variation ID: 526030). Based on the evidence outlined above, the variant was classified as pathogenic.

Fulgent Genetics
Classification: Pathogenic for Ocular cystinosis; Nephropathic cystinosis; Juvenile nephropathic cystinosis. Last evaluated: 2024-03-30. Review status: criteria provided, single submitter. Criteria: ACMG Guidelines, 2015. Collection method: clinical testing. Allele origin: germline.

Baylor Genetics
Classification: Pathogenic for Nephropathic cystinosis. Last evaluated: 2024-02-23. Review status: criteria provided, single submitter. Criteria: ACMG Guidelines, 2015. Collection method: clinical testing. Allele origin: unknown.

Laboratory of Cyto-molecular Genetics, Department of Anatomy, All India Institute of Medical Sciences (AIIMS), New Delhi
Classification: Pathogenic for Infantile nephropathic cystinosis. Last evaluated: 2022-03-07. Review status: criteria provided, single submitter. Criteria: ACMG Guidelines, 2015. Collection method: clinical testing. Allele origin: germline. Affected: yes. Observed: 3 variant alleles.
Comment: splice site variant at Intron 11-exon 12 junction

Molecular Diagnostics Laboratory, M Health Fairview: University of Minnesota
Classification: Pathogenic for Nephropathic cystinosis. Last evaluated: 2016-08-30. Review status: criteria provided, single submitter. Criteria: ACMG Guidelines, 2015. Collection method: clinical testing. Allele origin: germline. Affected: yes. Observed: 1 variant allele.

Counsyl
Classification: Pathogenic for Nephropathic cystinosis. Last evaluated: 2017-02-01. Review status: no assertion criteria provided. Collection method: clinical testing. Allele origin: unknown. Not counted in ClinVar's aggregate classification.

Literature cited by the submitters: PubMed 10556299 (cited by 3 submitters); PubMed 22450360 (cited by Labcorp Genetics (formerly Invitae), Labcorp and Molecular Diagnostics Laboratory, M Health Fairview: University of Minnesota); PubMed 25326109 (cited by 5 submitters); PubMed 12442267 (cited by 3 submitters); PubMed 35738466 (cited by Laboratory of Cyto-molecular Genetics, Department of Anatomy, All India Institute of Medical Sciences (AIIMS), New Delhi); PubMed 9537412 (cited by Molecular Diagnostics Laboratory, M Health Fairview: University of Minnesota).